The following is an entry in ClinVar:

ClinVar aggregate classification (germline): Uncertain significance. Review status: criteria provided, multiple submitters, no conflicts (2 of 4 stars). 2 submissions from 2 submitters: Uncertain significance (2). Last evaluated 2025-10-12.

Submissions (2):

Ambry Genetics
Classification: Uncertain significance. Last evaluated: 2025-10-12. Review status: criteria provided, single submitter. Criteria: Ambry Variant Classification Scheme 2023. Collection method: clinical testing. Allele origin: germline.
Comment: The p.G32R variant (also known as c.94G>A), located in coding exon 1 of the GALNT12 gene, results from a G to A substitution at nucleotide position 94. The glycine at codon 32 is replaced by arginine, an amino acid with dissimilar properties. This amino acid position is not conserved on limited sequence alignment. In addition, this alteration is predicted to be tolerated by in silico analysis. Since supporting evidence is limited at this time, the clinical significance of this alteration remains unclear.

Labcorp Genetics (formerly Invitae), Labcorp
Classification: Uncertain significance. Last evaluated: 2024-02-29. Review status: criteria provided, single submitter. Criteria: Invitae Variant Classification Sherloc (09022015). Collection method: clinical testing. Allele origin: germline.
Comment: This sequence change replaces glycine, which is neutral and non-polar, with arginine, which is basic and polar, at codon 32 of the GALNT12 protein (p.Gly32Arg). The frequency data for this variant in the population databases is considered unreliable, as metrics indicate poor data quality at this position in the gnomAD database. This variant has not been reported in the literature in individuals affected with GALNT12-related conditions. ClinVar contains an entry for this variant (Variation ID: 1767175). An algorithm developed to predict the effect of missense changes on protein structure and function (PolyPhen-2) suggests that this variant is likely to be tolerated. In summary, the available evidence is currently insufficient to determine the role of this variant in disease. Therefore, it has been classified as a Variant of Uncertain Significance.

NM_024642.5(GALNT12):c.94G>A (p.Gly32Arg)

Genes: GALNT12 (polypeptide N-acetylgalactosaminyltransferase 12; plus strand), LOC130002222 (ATAC-STARR-seq lymphoblastoid silent region 20123; plus strand). Cytogenetic location: 9q22.33.
Variant type: single nucleotide variant.
Coding change: c.94G>A on transcript NM_024642.5 (MANE Select); coding-DNA position 94, G replaced by A.
Protein change: p.Gly32Arg; replaces glycine 32 with arginine.
Molecular consequence: missense variant.
Genome position (GRCh38, 1-based): chr9:98,807,792, G>A. VCF-style: chr9-98807792-G-A. GRCh37 (hg19) VCF-style: chr9-101570074-G-A.
Other names: short protein forms G32R.
Identifiers: ClinVar variation 1767175 (VCV001767175.6), dbSNP rs956810048, ClinGen allele CA374222246.